The following is an entry in ClinVar:

NM_016239.4(MYO15A):c.2085del (p.Ser696fs)

Gene: MYO15A (myosin XVA; plus strand). Cytogenetic location: 17p11.2.
Variant type: Deletion.
Coding change: c.2085del on transcript NM_016239.4 (MANE Select); coding-DNA position 2085, one base deleted (C; older notation c.2085delC).
Protein change: p.Ser696fs; shifts the reading frame from serine 696.
Molecular consequence: frameshift variant.
Genome position (GRCh38, 1-based): chr17:18,120,885, C deleted. VCF-style (leftmost placement, unchanged base first): chr17-18120884-GC-G. GRCh37 (hg19) VCF-style: chr17-18024198-GC-G.
Other names: short protein forms S696fs.
Identifiers: ClinVar variation 3601309 (VCV003601309.1).

ClinVar aggregate classification (germline): Likely pathogenic (1 of 4 stars; one submission).

Conditions:
Autosomal recessive nonsyndromic hearing loss 3. Also called: NEUROSENSORY NONSYNDROMIC RECESSIVE DEAFNESS 3. Identifiers: Orphanet 90636, MedGen C1838263, MONDO:0010860, OMIM 600316.

Submission:

Institute of Rare Diseases, West China Hospital, Sichuan University
Classification: Likely pathogenic for Autosomal recessive nonsyndromic hearing loss 3. Last evaluated: 2025-01-09. Review status: criteria provided, single submitter. Criteria: ClinGen HL ACMG Specifications v1. Collection method: research. Allele origin: germline. Affected: yes.
Comment: PVS1;PM2_Supporting